The following is an entry in ClinVar:

ClinVar aggregate classification (germline): Pathogenic (1 of 4 stars; one submission).

Conditions:
Ullrich congenital muscular dystrophy 2 (UCMD2). Identifiers: Orphanet 75840, MedGen C4225314, MONDO:0014654, OMIM 616470.
Bethlem myopathy 2 (BTHLM2). Identifiers: Orphanet 536516, Orphanet 610, MedGen C4225313, MONDO:0034022, OMIM 616471.

Submission:

Labcorp Genetics (formerly Invitae), Labcorp
Classification: Pathogenic for Bethlem myopathy 2; Ullrich congenital muscular dystrophy 2. Last evaluated: 2022-08-19. Review status: criteria provided, single submitter. Criteria: Invitae Variant Classification Sherloc (09022015). Collection method: clinical testing. Allele origin: germline.
Comment: This sequence change creates a premature translational stop signal (p.Val1942Tyrfs*39) in the COL12A1 gene. It is expected to result in an absent or disrupted protein product. Loss-of-function variants in COL12A1 are known to be pathogenic (PMID: 24334604, 28973083). This variant is not present in population databases (gnomAD no frequency). This variant has not been reported in the literature in individuals affected with COL12A1-related conditions. For these reasons, this variant has been classified as Pathogenic.

Literature cited by the submitters: PubMed 24334604; PubMed 28973083.

NM_004370.6(COL12A1):c.5823del (p.Val1942fs)

Gene: COL12A1 (collagen type XII alpha 1 chain; minus strand). Cytogenetic location: 6q13.
Variant type: Deletion.
Coding change: c.5823del on transcript NM_004370.6 (MANE Select); coding-DNA position 5823, one base deleted (A; older notation c.5823delA).
Protein change: p.Val1942fs; shifts the reading frame from valine 1942.
Molecular consequence: frameshift variant.
Genome position (GRCh38, 1-based): chr6:75,132,054, T deleted on the plus strand (A on the coding strand, the reverse complement: COL12A1 is on the minus strand); the first of 2 consecutive T bases (chr6:75,132,054-75,132,055); deleting either gives the same sequence. VCF-style (leftmost placement, unchanged base first): chr6-75132053-CT-C. GRCh37 (hg19) VCF-style: chr6-75841769-CT-C.
Other names: c.2331del, p.Val778fs (NM_080645.3); short protein forms V1942fs, V778fs.
Identifiers: ClinVar variation 2024721 (VCV002024721.4), dbSNP rs2533277541, ClinGen allele CA2578671457.